The following is an entry in ClinVar:

NM_002485.5(NBN):c.298G>T (p.Gly100Ter)

Gene: NBN (nibrin; minus strand). Cytogenetic location: 8q21.3.
Variant type: single nucleotide variant.
Coding change: c.298G>T on transcript NM_002485.5 (MANE Select); coding-DNA position 298, G replaced by T.
Protein change: p.Gly100Ter; replaces glycine 100 with a stop codon.
Molecular consequence: nonsense.
Genome position (GRCh38, 1-based): chr8:89,981,397, C>A on the plus strand (G>T on the coding strand, the complement: NBN is on the minus strand). VCF-style: chr8-89981397-C-A. GRCh37 (hg19) VCF-style: chr8-90993625-C-A.
Other names: c.52G>T, p.Gly18Ter (NM_001024688.3); short protein forms G18*, G100*.
Identifiers: ClinVar variation 1360506 (VCV001360506.8), dbSNP rs2129914287, ClinGen allele CA371662340.

ClinVar aggregate classification (germline): Pathogenic. Review status: criteria provided, multiple submitters, no conflicts (2 of 4 stars). 2 submissions from 2 submitters: Pathogenic (2). Last evaluated 2024-10-15.

Conditions:
Hereditary cancer-predisposing syndrome. Also called: Hereditary Cancer Syndrome; Hereditary neoplastic syndrome; Tumor predisposition; Neoplastic Syndromes, Hereditary. Identifiers: Orphanet 140162, MedGen C0027672, MeSH D009386, MONDO:0015356.
Microcephaly, normal intelligence and immunodeficiency (NBS). Also called: IMMUNODEFICIENCY, MICROCEPHALY, AND CHROMOSOMAL INSTABILITY; Immunodeficiency, microcephaly with normal intelligence; SEEMANOVA SYNDROME II; Ataxia telangiectasia variant V1; Microcephaly with normal intelligence immunodeficiency and lymphoreticular malignancies; Nonsyndromal microcephaly autosomal recessive with normal intelligence. Identifiers: Orphanet 647, MedGen C0398791, MONDO:0009623, OMIM 251260.

Submissions (2):

Labcorp Genetics (formerly Invitae), Labcorp
Classification: Pathogenic for Microcephaly, normal intelligence and immunodeficiency. Last evaluated: 2024-10-15. Review status: criteria provided, single submitter. Criteria: Invitae Variant Classification Sherloc (09022015). Collection method: clinical testing. Allele origin: germline.
Comment: This sequence change creates a premature translational stop signal (p.Gly100*) in the NBN gene. It is expected to result in an absent or disrupted protein product. Loss-of-function variants in NBN are known to be pathogenic (PMID: 9590180, 16415040). This variant is not present in population databases (gnomAD no frequency). This variant has not been reported in the literature in individuals affected with NBN-related conditions. ClinVar contains an entry for this variant (Variation ID: 1360506). Algorithms developed to predict the effect of sequence changes on RNA splicing suggest that this variant may disrupt the consensus splice site. For these reasons, this variant has been classified as Pathogenic.

Ambry Genetics
Classification: Pathogenic for Hereditary cancer-predisposing syndrome. Last evaluated: 2020-12-31. Review status: criteria provided, single submitter. Criteria: Ambry Variant Classification Scheme 2023. Collection method: clinical testing. Allele origin: germline.
Comment: The p.G100* pathogenic mutation (also known as c.298G>T), located in coding exon 3 of the NBN gene, results from a G to T substitution at nucleotide position 298. This changes the amino acid from a glycine to a stop codon within coding exon 3. This alteration is expected to result in loss of function by premature protein truncation or nonsense-mediated mRNA decay. As such, this alteration is interpreted as a disease-causing mutation.

Literature cited by the submitters: PubMed 9590180 (cited by Labcorp Genetics (formerly Invitae), Labcorp); PubMed 16415040 (cited by Labcorp Genetics (formerly Invitae), Labcorp).